The following is an entry in ClinVar:

ClinVar aggregate classification (germline): Pathogenic. Review status: criteria provided, multiple submitters, no conflicts (2 of 4 stars). 2 submissions from 2 submitters: Pathogenic (2). Last evaluated 2023-11-16.

Conditions:
Hereditary cancer-predisposing syndrome. Also called: Neoplastic Syndromes, Hereditary; Tumor predisposition; Hereditary Cancer Syndrome; Hereditary neoplastic syndrome. Identifiers: Orphanet 140162, MedGen C0027672, MeSH D009386, MONDO:0015356.

Submissions (2):

Ambry Genetics
Classification: Pathogenic for Hereditary cancer-predisposing syndrome. Last evaluated: 2023-11-16. Review status: criteria provided, single submitter. Criteria: Ambry Variant Classification Scheme 2023. Collection method: clinical testing. Allele origin: germline.
Comment: The c.328_329delAA pathogenic mutation, located in coding exon 5 of the BRCA1 gene, results from a deletion of two nucleotides at nucleotide positions 328 to 329, causing a translational frameshift with a predicted alternate stop codon (p.K110Gfs*3). This alteration is expected to result in loss of function by premature protein truncation or nonsense-mediated mRNA decay. As such, this alteration is interpreted as a disease-causing mutation.

Color Diagnostics, LLC DBA Color Health
Classification: Pathogenic for Hereditary cancer-predisposing syndrome. Last evaluated: 2020-01-15. Review status: criteria provided, single submitter. Criteria: ACMG Guidelines, 2015. Collection method: clinical testing. Allele origin: germline.
Comment: This variant deletes 2 nucleotides in exon 6 of the BRCA1 gene, creating a frameshift and premature translation stop signal. This variant is expected to result in an absent or non-functional protein product. This variant has not been identified in the general population by the Genome Aggregation Database (gnomAD). Loss of BRCA1 function is a known mechanism of disease. Based on the available evidence, this variant is classified as Pathogenic.

NM_007294.4(BRCA1):c.328_329del (p.Lys110fs)

Gene: BRCA1 (BRCA1 DNA repair associated; minus strand). Cytogenetic location: 17q21.31.
Variant type: Deletion.
Coding change: c.328_329del on transcript NM_007294.4 (MANE Select); coding-DNA positions 328 to 329, 2 bases deleted (AA; older notation c.328_329delAA).
Protein change: p.Lys110fs; shifts the reading frame from lysine 110.
Molecular consequence: frameshift variant. On other transcripts: non-coding transcript variant (1).
Genome position (GRCh38, 1-based): chr17:43,104,234-43,104,235, TT deleted on the plus strand (AA on the coding strand, the reverse complement: BRCA1 is on the minus strand); deleting any 2 consecutive bases within chr17:43,104,234-43,104,239 gives the same sequence; the c. name uses the placement nearest the transcript's 3' end. VCF-style (leftmost placement, unchanged base first): chr17-43104233-CTT-C. GRCh37 (hg19) VCF-style: chr17-41256250-CTT-C.
Other names: c.183_184delAA, p.Lys63Glyfs (NM_001408496.1, NM_001408497.1, NM_001408498.1 and 98 more transcripts); c.324_325delAA, p.Lys110Glyfs (NM_001407975.1, NM_001407974.1, NM_001407976.1 and 164 more transcripts); c.114_115delAA, p.Lys40Glyfs (NM_001408502.1, NM_001407879.1, NM_001407881.1 and 58 more transcripts); c.246_247delAA, p.Lys84Glyfs (NM_001407862.1, NM_001407874.1, NM_001407875.1 and 21 more transcripts); c.-58_-57delAA (NM_001407959.1, NM_001407960.1, NM_001407962.1 and 4 more transcripts); c.315_316delAA, p.Lys107Glyfs (NM_001408408.1, NM_001407646.1, NM_001407647.1); c.192_193delAA, p.Lys66Glyfs (NM_001408451.1); c.187_188del, p.Lys63fs (NM_007297.4); and 2 more; short protein forms K110fs, K63fs.
Identifiers: ClinVar variation 925654 (VCV000925654.6), dbSNP rs80357604, ClinGen allele CA913188821.
Genomic context (GRCh38, chr17:43,104,233, plus strand): 5'-GTAGCCCATACTTTGGATGATAGAAACTTCATCTTTTAGATGTTCAGGAGAGTTATTTTC[CTT>C]TTTTGCAAAATTATAGCTGTTTGCATCTGTAAAATACAAGGGAAAACATTATGTTTGCAG-3'